The following is an entry in ClinVar:

NM_032408.4(BAZ1B):c.81C>G (p.His27Gln)

Genes: BAZ1B (bromodomain adjacent to zinc finger domain 1B; minus strand), LOC129998587 (ATAC-STARR-seq lymphoblastoid silent region 18248; plus strand). Cytogenetic location: 7q11.23.
Variant type: single nucleotide variant.
Coding change: c.81C>G on transcript NM_032408.4 (MANE Select); coding-DNA position 81, C replaced by G.
Protein change: p.His27Gln; replaces histidine 27 with glutamine.
Molecular consequence: missense variant.
Genome position (GRCh38, 1-based): chr7:73,521,853, G>C on the plus strand (C>G on the coding strand, the complement: BAZ1B is on the minus strand). VCF-style: chr7-73521853-G-C. GRCh37 (hg19) VCF-style: chr7-72936183-G-C.
Other names: c.81C>G, p.His27Gln (NM_001370402.1); short protein forms H27Q.
Identifiers: ClinVar variation 3356559 (VCV003356559.1).

ClinVar aggregate classification (germline): Uncertain significance (0 of 4 stars; one submission).

Conditions:
BAZ1B-related disorder. Also called: BAZ1B-related condition.

Submission:

PreventionGenetics, part of Exact Sciences
Classification: Uncertain significance for BAZ1B-related condition. Last evaluated: 2024-09-18. Review status: no assertion criteria provided. Collection method: clinical testing. Allele origin: germline.
Comment: The BAZ1B c.81C>G variant is predicted to result in the amino acid substitution p.His27Gln. To our knowledge, this variant has not been reported in the literature or in a large population database, indicating this variant is rare. At this time, the clinical significance of this variant is uncertain due to the absence of conclusive functional and genetic evidence.